The following is an entry in ClinVar:

ClinVar aggregate classification (germline): Pathogenic. Review status: criteria provided, multiple submitters, no conflicts (2 of 4 stars). 2 submissions from 2 submitters: Pathogenic (2). Last evaluated 2026-06-10.

Conditions:
Hereditary factor VIII deficiency disease (HEMA). Also called: AUTOSOMAL HEMOPHILIA A; Hemophilia A; Hemophilia A, congenital; HEM A; Factor 8 deficiency, congenital; HEMOPHILIA, CLASSIC. Identifiers: Orphanet 98878, MedGen C0019069, MONDO:0010602, OMIM 306700.

Submissions (2):

Women's Health and Genetics/Laboratory Corporation of America, LabCorp
Classification: Pathogenic for Hereditary factor VIII deficiency disease. Last evaluated: 2026-06-10. Review status: criteria provided, single submitter. Criteria: LabCorp Variant Classification Summary - May 2015. Collection method: clinical testing. Allele origin: germline.
Comment: Variant summary: F8 c.1520C>G (p.Ser507X) results in a premature termination codon, predicted to cause a truncation of the encoded protein or absence of the protein due to nonsense mediated decay, which are commonly known mechanisms for disease. The variant was absent in 183187 control chromosomes. c.1520C>G has been observed in individual(s) affected with F8-related conditions (e.g., Chen_2021). The following publication has been ascertained in the context of this evaluation (PMID: 33706050). ClinVar contains an entry for this variant (Variation ID: 1705973). Based on the evidence outlined above, the variant was classified as pathogenic.

Mayo Clinic Laboratories, Mayo Clinic
Classification: Pathogenic. Last evaluated: 2021-09-27. Review status: criteria provided, single submitter. Criteria: ACMG Guidelines, 2015. Collection method: clinical testing. Allele origin: germline.
Comment: PM2, PS4_moderate, PVS1

Literature cited by the submitters: PubMed 33706050 (cited by Women's Health and Genetics/Laboratory Corporation of America, LabCorp).

NM_000132.4(F8):c.1520C>G (p.Ser507Ter)

Gene: F8 (coagulation factor VIII; minus strand). Cytogenetic location: Xq28.
Variant type: single nucleotide variant.
Coding change: c.1520C>G on transcript NM_000132.4 (MANE Select); coding-DNA position 1520, C replaced by G.
Protein change: p.Ser507Ter; replaces serine 507 with a stop codon.
Molecular consequence: nonsense.
Genome position (GRCh38, 1-based): chrX:154,961,092, G>C on the plus strand (C>G on the coding strand, the complement: F8 is on the minus strand). VCF-style: chrX-154961092-G-C. GRCh37 (hg19) VCF-style: chrX-154189367-G-C.
Other names: p.Ser507*; short protein forms S507*.
Identifiers: ClinVar variation 1705973 (VCV001705973.5), dbSNP rs1201020534, ClinGen allele CA414912628.